The following is an entry in ClinVar:

ClinVar aggregate classification (germline): Conflicting classifications of pathogenicity. Review status: criteria provided, conflicting classifications (1 of 4 stars). 3 submissions from 2 submitters: Pathogenic (1); Uncertain significance (2). Last evaluated 2022-05-04.

Conditions:
Retinitis pigmentosa (RP). Identifiers: Orphanet 791, MedGen C0035334, MeSH D012174, MONDO:0019200, OMIM 268000. Inheritance: Autosomal dominant, autosomal recessive and X linked inheritance.
Joubert syndrome. Also called: JOUBERT-BOLTSHAUSER SYNDROME; Familial aplasia of the vermis. Identifiers: Orphanet 475, MedGen C5979921, MONDO:0018772.
Nephronophthisis. Also called: Juvenile Nephronophthisis. Identifiers: Orphanet 655, MedGen C0687120, MONDO:0019005, HP:0000090.
Meckel-Gruber syndrome. Also called: DYSENCEPHALIA SPLANCHNOCYSTICA; GRUBER SYNDROME; Dysencephalia splachnocystica. Identifiers: Orphanet 564, MedGen C0265215, MONDO:0018921.
Leber congenital amaurosis 10 (LCA10). Identifiers: Orphanet 65, MedGen C1857821, MONDO:0012723, OMIM 611755.

Submissions (3):

Broad Center for Mendelian Genomics, Broad Institute of MIT and Harvard
Classification: Uncertain significance for Leber congenital amaurosis 10. Last evaluated: 2022-05-04. Review status: criteria provided, single submitter. Criteria: ACMG Guidelines, 2015. Collection method: curation. Allele origin: germline. Inheritance: Autosomal recessive inheritance.
Comment: The variant has not been previously reported in individuals with Leber congenital amaurosis 10 and was absent from large population studies. This variant occurs in the invariant region (+/- 1/2) of the splice consensus sequence and is predicted to cause altered splicing leading to an abnormal or absent protein. Loss of function of the CEP290 gene is an established disease mechanism in autosomal recessive Leber congenital amaurosis 10. The presence of this variant in combination with a reported pathogenic variant increases the likelihood that the c.4705-2A>C variant is pathogenic (VariationID: 99857). In summary, while there is some suspicion for a pathogenic role, the clinical significance of this variant is uncertain. ACMG/AMP Criteria applied: PM2, PVS1_moderate, PM3_supporting (Richards 2015).

Labcorp Genetics (formerly Invitae), Labcorp
Classification: Pathogenic for Joubert syndrome; Meckel-Gruber syndrome; Nephronophthisis. Last evaluated: 2022-03-28. Review status: criteria provided, single submitter. Criteria: Invitae Variant Classification Sherloc (09022015). Collection method: clinical testing. Allele origin: germline.
Comment: This sequence change affects an acceptor splice site in intron 35 of the CEP290 gene. It is expected to disrupt RNA splicing. Variants that disrupt the donor or acceptor splice site typically lead to a loss of protein function (PMID: 16199547), and loss-of-function variants in CEP290 are known to be pathogenic (PMID: 16909394, 17345604, 20690115). For these reasons, this variant has been classified as Pathogenic. Algorithms developed to predict the effect of sequence changes on RNA splicing suggest that this variant may disrupt the consensus splice site. ClinVar contains an entry for this variant (Variation ID: 1297148). Disruption of this splice site has been observed in individuals with retinitis pigmentosa (PMID: 22334370, 28157192). This variant is not present in population databases (gnomAD no frequency).

Broad Center for Mendelian Genomics, Broad Institute of MIT and Harvard
Classification: Uncertain significance for Retinitis pigmentosa. Last evaluated: 2021-04-01. Review status: criteria provided, single submitter. Criteria: ACMG Guidelines, 2015. Collection method: curation. Allele origin: germline. Inheritance: Autosomal recessive inheritance. Affected: yes.
Comment: Based on this evidence we have classified this variant as a Variant of Uncertain Significance. If you have any questions about the classification please reach out to the Pierce Lab.

Literature cited by the submitters: PubMed 16199547 (cited by Labcorp Genetics (formerly Invitae), Labcorp); PubMed 16909394 (cited by Labcorp Genetics (formerly Invitae), Labcorp); PubMed 17345604 (cited by Labcorp Genetics (formerly Invitae), Labcorp); PubMed 20690115 (cited by Labcorp Genetics (formerly Invitae), Labcorp); PubMed 22334370 (cited by Labcorp Genetics (formerly Invitae), Labcorp); PubMed 28157192 (cited by Labcorp Genetics (formerly Invitae), Labcorp); PubMed 34906470 (cited by Broad Center for Mendelian Genomics, Broad Institute of MIT and Harvard).

NM_025114.4(CEP290):c.4705-2A>C

Gene: CEP290 (centrosomal protein 290; minus strand). Cytogenetic location: 12q21.32.
Variant type: single nucleotide variant.
Coding change: c.4705-2A>C on transcript NM_025114.4 (MANE Select); the canonical splice acceptor site of the intron before coding-DNA position 4705, A replaced by C.
Molecular consequence: splice acceptor variant.
Genome position (GRCh38, 1-based): chr12:88,083,956, T>G on the plus strand (A>C on the coding strand, the complement: CEP290 is on the minus strand). VCF-style: chr12-88083956-T-G. GRCh37 (hg19) VCF-style: chr12-88477733-T-G.
Other names: NM_025114.4:c.4705-2A>C.
Identifiers: ClinVar variation 1297148 (VCV001297148.9), dbSNP rs2137170380, ClinGen allele CA385994211.